The following is an entry in ClinVar:

NM_144572.2(TBC1D2B):c.848-5T>C

Gene: TBC1D2B (TBC1 domain family member 2B; minus strand). Cytogenetic location: 15q25.1.
Variant type: single nucleotide variant.
Coding change: c.848-5T>C on transcript NM_144572.2 (MANE Select); 5 bases into the intron before coding-DNA position 848, T replaced by C.
Molecular consequence: intron variant.
Genome position (GRCh38, 1-based): chr15:78,025,502, A>G on the plus strand (T>C on the coding strand, the complement: TBC1D2B is on the minus strand). VCF-style: chr15-78025502-A-G. GRCh37 (hg19) VCF-style: chr15-78317844-A-G.
Other names: c.848-8T>C (NM_001387143.1); c.848-5T>C (NM_015079.6, NM_001387142.1, NM_001387144.1); c.512-5T>C (NM_001387149.1, NM_001387146.1, NM_001387145.1 and 2 more transcripts).
Identifiers: ClinVar variation 721236 (VCV000721236.28), dbSNP rs199560004, ClinGen allele CA7679586.
Genomic context (GRCh38, chr15:78,025,502, plus strand): 5'-CTTTCCTTTGTAGGGGTTACGTCCAAAATCAAAGGGGAATCCTGAGCCAGTTACTCCTAC[A>G]TAAAAATAAAACTTGTATTTTATTATTATTATTATTATTTTTGAGACGGAGTGTCGGTCT-3'

ClinVar aggregate classification (germline): Benign/Likely benign. Review status: criteria provided, multiple submitters, no conflicts (2 of 4 stars). 3 submissions from 3 submitters: Benign (1); Likely benign (2). Last evaluated 2026-07-01.

Allele frequency attached by ClinVar (database versions not stated): 1000 Genomes Project 30x 0.00078; 1000 Genomes Project 0.00080; gnomAD exomes 0.00277 and 0.00407; ExAC 0.00284; gnomAD 0.00286 and 0.00301; TOPMed 0.00329; ESP Exome Variant Server 0.00478.
gnomAD v4.1: 6,170 of 1,566,540 alleles (0.39%); highest among the groups gnomAD compares: Non-Finnish European, 0.49%; 18 homozygotes.

Submissions (3):

CeGaT Center for Human Genetics Tuebingen
Classification: Likely benign. Last evaluated: 2026-07-01. Review status: criteria provided, single submitter. Criteria: CeGaT Center For Human Genetics Tuebingen Variant Classification Criteria Version 2. Collection method: clinical testing. Allele origin: germline. Affected: yes. Observed: 13 variant alleles.
Comment: TBC1D2B: BP4, BS2

Blueprint Genetics
Classification: Likely benign. Last evaluated: 2024-11-26. Review status: criteria provided, single submitter. Criteria: ACMG Guidelines, 2015. Collection method: clinical testing. Allele origin: germline.

Labcorp Genetics (formerly Invitae), Labcorp
Classification: Benign. Last evaluated: 2018-04-06. Review status: criteria provided, single submitter. Criteria: Invitae Variant Classification Sherloc (09022015). Collection method: clinical testing. Allele origin: germline.